The following is an entry in ClinVar:

ClinVar aggregate classification (germline): Likely pathogenic (0 of 4 stars; one submission).

Conditions:
Combined oxidative phosphorylation defect type 21. Also called: Combined oxidative phosphorylation deficiency 21. Identifiers: Orphanet 420733, MedGen C4706316, MONDO:0014398, OMIM 615918.

Allele frequency attached by ClinVar (database versions not stated): ExAC 0.00001; gnomAD exomes 0.00001.
gnomAD v4.1: 9 of 1,614,034 alleles (0.00056%); highest among the groups gnomAD compares: South Asian, 0.0044%; no homozygotes.

Submission:

Houlden Lab, UCL Institute of Neurology
Classification: Likely pathogenic for Combined oxidative phosphorylation defect type 21. Review status: no assertion criteria provided. Collection method: research. Allele origin: germline. Affected: yes.
Comment: This variant was identified in a compound heterozygous state with another TARS2 variant (c.1255C>T) for this condition.

NM_025150.5(TARS2):c.980G>A (p.Arg327Gln)

Gene: TARS2 (threonyl-tRNA synthetase 2, mitochondrial; plus strand). Cytogenetic location: 1q21.2.
Variant type: single nucleotide variant.
Coding change: c.980G>A on transcript NM_025150.5 (MANE Select); coding-DNA position 980, G replaced by A.
Protein change: p.Arg327Gln; replaces arginine 327 with glutamine.
Molecular consequence: missense variant. On other transcripts: non-coding transcript variant (1), intron variant (2).
Genome position (GRCh38, 1-based): chr1:150,496,868, G>A. VCF-style: chr1-150496868-G-A. GRCh37 (hg19) VCF-style: chr1-150469344-G-A.
Other names: p.Arg327Gln; c.775-662G>A (NM_001271895.2); c.631-662G>A (NM_001271896.2); short protein forms R327Q.
Identifiers: ClinVar variation 1992420 (VCV001992420.1), dbSNP rs367984492, ClinGen allele CA1076870.